The following is an entry in ClinVar:

NM_001365951.3(KIF1B):c.2931T>G (p.Phe977Leu)

Gene: KIF1B (kinesin family member 1B; plus strand). Cytogenetic location: 1p36.22.
Variant type: single nucleotide variant.
Coding change: c.2931T>G on transcript NM_001365951.3 (MANE Select); coding-DNA position 2931, T replaced by G.
Protein change: p.Phe977Leu; replaces phenylalanine 977 with leucine.
Molecular consequence: missense variant.
Genome position (GRCh38, 1-based): chr1:10,334,526, T>G. VCF-style: chr1-10334526-T-G. GRCh37 (hg19) VCF-style: chr1-10394584-T-G.
Other names: c.2931T>G, p.Phe977Leu (NM_001365952.1); c.2793T>G, p.Phe931Leu (NM_015074.3); short protein forms F931L, F977L.
Identifiers: ClinVar variation 1796079 (VCV001796079.4), dbSNP rs1652088180, ClinGen allele CA338338558.

ClinVar aggregate classification (germline): Uncertain significance. Review status: criteria provided, multiple submitters, no conflicts (2 of 4 stars). 2 submissions from 2 submitters: Uncertain significance (2). Last evaluated 2025-05-21.

Conditions:
Charcot-Marie-Tooth disease type 2. Also called: Charcot-Marie-Tooth type 2. Identifiers: Orphanet 64746, MedGen C0270914, MONDO:0018993.

Allele frequency attached by ClinVar (database versions not stated): gnomAD exomes below 0.00001; TOPMed below 0.00001.
gnomAD v4.1: 1 of 1,612,996 alleles (0.000062%); highest among the groups gnomAD compares: South Asian, 0.0011%; no homozygotes.

Submissions (2):

Labcorp Genetics (formerly Invitae), Labcorp
Classification: Uncertain significance for Charcot-Marie-Tooth disease type 2. Last evaluated: 2025-05-21. Review status: criteria provided, single submitter. Criteria: Invitae Variant Classification Sherloc (09022015). Collection method: clinical testing. Allele origin: germline.
Comment: This sequence change replaces phenylalanine, which is neutral and non-polar, with leucine, which is neutral and non-polar, at codon 931 of the KIF1B protein (p.Phe931Leu). This variant is not present in population databases (gnomAD no frequency). This variant has not been reported in the literature in individuals affected with KIF1B-related conditions. ClinVar contains an entry for this variant (Variation ID: 1796079). Invitae Evidence Modeling of protein sequence and biophysical properties (such as structural, functional, and spatial information, amino acid conservation, physicochemical variation, residue mobility, and thermodynamic stability) indicates that this missense variant is not expected to disrupt KIF1B protein function with a negative predictive value of 80%. In summary, the available evidence is currently insufficient to determine the role of this variant in disease. Therefore, it has been classified as a Variant of Uncertain Significance.

Ambry Genetics
Classification: Uncertain significance. Last evaluated: 2025-04-03. Review status: criteria provided, single submitter. Criteria: Ambry Variant Classification Scheme 2023. Collection method: clinical testing. Allele origin: germline.
Comment: The p.F931L variant (also known as c.2793T>G), located in coding exon 25 of the KIF1B gene, results from a T to G substitution at nucleotide position 2793. The phenylalanine at codon 931 is replaced by leucine, an amino acid with highly similar properties. This amino acid position is conserved. In addition, the in silico prediction for this alteration is inconclusive. The evidence for this gene-disease relationship is limited; therefore, the clinical significance of this alteration is unclear.